The following is an entry in ClinVar:

ClinVar aggregate classification (germline): Pathogenic/Likely pathogenic. Review status: criteria provided, multiple submitters, no conflicts (2 of 4 stars). 2 submissions from 2 submitters: Pathogenic (1); Likely pathogenic (1). Last evaluated 2025-11-16.

Conditions:
ADAMTS17-related disorder. Also called: ADAMTS17-related condition.

gnomAD v4.1: 11 of 1,614,186 alleles (0.00068%); highest among the groups gnomAD compares: Non-Finnish European, 0.00085%; no homozygotes.

Submissions (2):

Labcorp Genetics (formerly Invitae), Labcorp
Classification: Pathogenic. Last evaluated: 2025-11-16. Review status: criteria provided, single submitter. Criteria: Invitae Variant Classification Sherloc (09022015). Collection method: clinical testing. Allele origin: germline.
Comment: This sequence change creates a premature translational stop signal (p.Ser971*) in the ADAMTS17 gene. It is expected to result in an absent or disrupted protein product. Loss-of-function variants in ADAMTS17 are known to be pathogenic (PMID: 19836009, 24940034). This variant is present in population databases (rs764039545, gnomAD 0.002%). This variant has not been reported in the literature in individuals affected with ADAMTS17-related conditions. For these reasons, this variant has been classified as Pathogenic.

Blueprint Genetics
Classification: Likely pathogenic for ADAMTS17-related disorders. Last evaluated: 2019-03-04. Review status: criteria provided, single submitter. Criteria: ACMG Guidelines, 2015. Collection method: clinical testing. Allele origin: germline. Affected: yes. Observed: 2 variant alleles.

Literature cited by the submitters: PubMed 19836009 (cited by Labcorp Genetics (formerly Invitae), Labcorp); PubMed 24940034 (cited by Labcorp Genetics (formerly Invitae), Labcorp).

NM_139057.4(ADAMTS17):c.2912C>G (p.Ser971Ter)

Gene: ADAMTS17 (ADAM metallopeptidase with thrombospondin type 1 motif 17; minus strand). Cytogenetic location: 15q26.3.
Variant type: single nucleotide variant.
Coding change: c.2912C>G on transcript NM_139057.4 (MANE Select); coding-DNA position 2912, C replaced by G.
Protein change: p.Ser971Ter; replaces serine 971 with a stop codon.
Molecular consequence: nonsense.
Genome position (GRCh38, 1-based): chr15:99,993,085, G>C on the plus strand (C>G on the coding strand, the complement: ADAMTS17 is on the minus strand). VCF-style: chr15-99993085-G-C. GRCh37 (hg19) VCF-style: chr15-100533290-G-C.
Other names: short protein forms S971*.
Identifiers: ClinVar variation 4801887 (VCV004801887.2).